The following is an entry in ClinVar:

ClinVar aggregate classification (germline): Likely benign. Review status: criteria provided, multiple submitters, no conflicts (2 of 4 stars). 2 submissions from 2 submitters: Likely benign (2). Last evaluated 2026-07-01.

Allele frequency attached by ClinVar (database versions not stated): gnomAD 0.00011; 1000 Genomes Project 30x 0.00016; 1000 Genomes Project 0.00020; TOPMed 0.00025; ExAC 0.00046.
gnomAD v4.1: 180 of 1,614,156 alleles (0.011%); highest among the groups gnomAD compares: East Asian, 0.29%; 1 homozygote.

Submissions (2):

CeGaT Center for Human Genetics Tuebingen
Classification: Likely benign. Last evaluated: 2026-07-01. Review status: criteria provided, single submitter. Criteria: CeGaT Center For Human Genetics Tuebingen Variant Classification Criteria Version 2. Collection method: clinical testing. Allele origin: germline. Affected: yes. Observed: 2 variant alleles.
Comment: SRRM2: BP4, BP7

Blueprint Genetics
Classification: Likely benign. Last evaluated: 2024-07-10. Review status: criteria provided, single submitter. Criteria: ACMG Guidelines, 2015. Collection method: clinical testing. Allele origin: germline.

NM_016333.4(SRRM2):c.2562C>T (p.Ser854=)

Gene: SRRM2 (serine/arginine repetitive matrix 2; plus strand). Cytogenetic location: 16p13.3.
Variant type: single nucleotide variant.
Coding change: c.2562C>T on transcript NM_016333.4 (MANE Select); coding-DNA position 2562, C replaced by T.
Protein change: p.Ser854=; no amino-acid change (serine 854 retained).
Molecular consequence: synonymous variant.
Genome position (GRCh38, 1-based): chr16:2,763,090, C>T. VCF-style: chr16-2763090-C-T. GRCh37 (hg19) VCF-style: chr16-2813091-C-T.
Identifiers: ClinVar variation 2646069 (VCV002646069.25), dbSNP rs568099419, ClinGen allele CA7847641.